The following is an entry in ClinVar:

NM_182931.3(KMT2E):c.2122C>G (p.Leu708Val)

Gene: KMT2E (lysine methyltransferase 2E (inactive); plus strand). Cytogenetic location: 7q22.3.
Variant type: single nucleotide variant.
Coding change: c.2122C>G on transcript NM_182931.3 (MANE Select); coding-DNA position 2122, C replaced by G.
Protein change: p.Leu708Val; replaces leucine 708 with valine.
Molecular consequence: missense variant.
Genome position (GRCh38, 1-based): chr7:105,102,120, C>G. VCF-style: chr7-105102120-C-G. GRCh37 (hg19) VCF-style: chr7-104742567-C-G.
Other names: c.2122C>G, p.Leu708Val (NM_018682.4); short protein forms L708V.
Identifiers: ClinVar variation 986107 (VCV000986107.11), dbSNP rs1247978712, ClinGen allele CA368785350.

ClinVar aggregate classification (germline): Uncertain significance. Review status: criteria provided, multiple submitters, no conflicts (2 of 4 stars). 2 submissions from 2 submitters: Uncertain significance (2). Last evaluated 2025-06-01.

Conditions:
Inborn genetic diseases. Identifiers: MedGen C0950123, MeSH D030342.

Submissions (2):

CeGaT Center for Human Genetics Tuebingen
Classification: Uncertain significance. Last evaluated: 2025-06-01. Review status: criteria provided, single submitter. Criteria: CeGaT Center For Human Genetics Tuebingen Variant Classification Criteria Version 2. Collection method: clinical testing. Allele origin: germline. Affected: yes. Observed: 1 variant allele.
Comment: KMT2E: PM2, BP4

Ambry Genetics
Classification: Uncertain significance for Inborn genetic diseases. Last evaluated: 2019-03-18. Review status: criteria provided, single submitter. Criteria: Ambry exome assertion method (8-5-2015). Collection method: clinical testing. Allele origin: germline. Affected: yes. Observed: 1 variant allele.